The following is an entry in ClinVar:

ClinVar aggregate classification (germline): Uncertain significance. Review status: criteria provided, multiple submitters, no conflicts (2 of 4 stars). 3 submissions from 3 submitters: Uncertain significance (3). Last evaluated 2025-11-13.

Conditions:
Niemann-Pick disease, type C1. Also called: NIEMANN-PICK DISEASE, VARIANT TYPE C1; NEUROVISCERAL STORAGE DISEASE WITH VERTICAL SUPRANUCLEAR OPHTHALMOPLEGIA; NIEMANN-PICK DISEASE WITH CHOLESTEROL ESTERIFICATION BLOCK; NIEMANN-PICK DISEASE WITHOUT SPHINGOMYELINASE DEFICIENCY; NIEMANN-PICK DISEASE, CHRONIC NEURONOPATHIC FORM. Identifiers: Orphanet 646, MedGen C3179455, MONDO:0009757, OMIM 257220.

gnomAD v4.1: 2 of 1,612,914 alleles (0.00012%); highest among the groups gnomAD compares: Middle Eastern, 0.017%; no homozygotes.

Submissions (3):

Clinical Genetics Laboratory, University Hospital Schleswig-Holstein
Classification: Uncertain significance for Niemann-Pick disease, type C1. Last evaluated: 2025-11-13. Review status: criteria provided, single submitter. Criteria: ACMG Guidelines, 2015. Collection method: clinical testing. Allele origin: germline. Affected: yes. Observed: 1 heterozygote.
Comment: ACMG criteria applied: PM2, PP3, PP4

Myriad Genetics, Inc.
Classification: Uncertain significance for Niemann-Pick disease, type C1. Last evaluated: 2025-07-16. Review status: criteria provided, single submitter. Criteria: Myriad Autosomal Dominant, Autosomal Recessive and X-Linked Classification Criteria (2023). Collection method: clinical testing. Allele origin: unknown.
Comment: NM_000271.4(NPC1):c.1820G>A(R607Q) is a missense variant classified as a variant of uncertain significance in the context of Niemann-Pick disease type C1. R607Q has been observed in a case with relevant disease (PMID: 38131230). Relevant functional assessments of this variant are not available in the literature. R607Q has not been observed in referenced population frequency databases. In summary, there is insufficient evidence to classify NM_000271.4(NPC1):c.1820G>A(R607Q) as pathogenic or benign. Please note: this variant was assessed in the context of healthy population screening.

Labcorp Genetics (formerly Invitae), Labcorp
Classification: Uncertain significance for Niemann-Pick disease, type C1. Last evaluated: 2022-05-29. Review status: criteria provided, single submitter. Criteria: Invitae Variant Classification Sherloc (09022015). Collection method: clinical testing. Allele origin: germline.
Comment: This sequence change replaces arginine, which is basic and polar, with glutamine, which is neutral and polar, at codon 607 of the NPC1 protein (p.Arg607Gln). This variant is not present in population databases (gnomAD no frequency). This variant has not been reported in the literature in individuals affected with NPC1-related conditions. Advanced modeling of protein sequence and biophysical properties (such as structural, functional, and spatial information, amino acid conservation, physicochemical variation, residue mobility, and thermodynamic stability) performed at Invitae indicates that this missense variant is expected to disrupt NPC1 protein function. In summary, the available evidence is currently insufficient to determine the role of this variant in disease. Therefore, it has been classified as a Variant of Uncertain Significance.

Literature cited by the submitters: PubMed 38131230 (cited by Myriad Genetics, Inc.).

NM_000271.5(NPC1):c.1820G>A (p.Arg607Gln)

Gene: NPC1 (NPC intracellular cholesterol transporter 1; minus strand). Cytogenetic location: 18q11.2.
Variant type: single nucleotide variant.
Coding change: c.1820G>A on transcript NM_000271.5 (MANE Select); coding-DNA position 1820, G replaced by A.
Protein change: p.Arg607Gln; replaces arginine 607 with glutamine.
Molecular consequence: missense variant.
Genome position (GRCh38, 1-based): chr18:23,545,087, C>T on the plus strand (G>A on the coding strand, the complement: NPC1 is on the minus strand). VCF-style: chr18-23545087-C-T. GRCh37 (hg19) VCF-style: chr18-21125051-C-T.
Other names: short protein forms R607Q.
Identifiers: ClinVar variation 2045358 (VCV002045358.3), dbSNP rs2511240338, ClinGen allele CA401773060.